The following is an entry in ClinVar:

ClinVar aggregate classification (germline): Uncertain significance (1 of 4 stars; one submission).

Conditions:
Autosomal dominant nocturnal frontal lobe epilepsy 5. Also called: Epilepsy, nocturnal frontal lobe, 5; CILIARY DYSKINESIA, PRIMARY, 28, WITHOUT SITUS INVERSUS; CILIARY DYSKINESIA, PRIMARY, 28, WITH SITUS INVERSUS; KCNT1-Related Epilepsy. Identifiers: Orphanet 98784, MedGen C3554306, MONDO:0014002, OMIM 615005.
Developmental and epileptic encephalopathy, 14 (DEE14). Also called: Early infantile epileptic encephalopathy 14. Identifiers: Orphanet 293181, MedGen C3554195, MONDO:0013989, OMIM 614959.

Submission:

Labcorp Genetics (formerly Invitae), Labcorp
Classification: Uncertain significance for Autosomal dominant nocturnal frontal lobe epilepsy 5; Developmental and epileptic encephalopathy, 14. Last evaluated: 2019-03-13. Review status: criteria provided, single submitter. Criteria: Invitae Variant Classification Sherloc (09022015). Collection method: clinical testing. Allele origin: germline.
Comment: In summary, the available evidence is currently insufficient to determine the role of this variant in disease. Therefore, it has been classified as a Variant of Uncertain Significance. Algorithms developed to predict the effect of missense changes on protein structure and function (SIFT, PolyPhen-2, Align-GVGD) all suggest that this variant is likely to be disruptive, but these predictions have not been confirmed by published functional studies and their clinical significance is uncertain. This variant has not been reported in the literature in individuals with KCNT1-related conditions. This variant is not present in population databases (ExAC no frequency). This sequence change replaces alanine with valine at codon 793 of the KCNT1 protein (p.Ala793Val). The alanine residue is highly conserved and there is a small physicochemical difference between alanine and valine.

NM_020822.3(KCNT1):c.2378C>T (p.Ala793Val)

Gene: KCNT1 (potassium sodium-activated channel subfamily T member 1; plus strand). Cytogenetic location: 9q34.3.
Variant type: single nucleotide variant.
Coding change: c.2378C>T on transcript NM_020822.3 (MANE Select); coding-DNA position 2378, C replaced by T.
Protein change: p.Ala793Val; replaces alanine 793 with valine.
Molecular consequence: missense variant.
Genome position (GRCh38, 1-based): chr9:135,777,366, C>T. VCF-style: chr9-135777366-C-T. GRCh37 (hg19) VCF-style: chr9-138669212-C-T.
Other names: c.2243C>T, p.Ala748Val (NM_001272003.2); short protein forms A748V, A793V.
Identifiers: ClinVar variation 856705 (VCV000856705.10), dbSNP rs1833240649, ClinGen allele CA375513200.